The following is an entry in ClinVar:

NM_001256012.3(MYH10):c.346-7A>C

Gene: MYH10 (myosin heavy chain 10; minus strand). Cytogenetic location: 17p13.1.
Variant type: single nucleotide variant.
Coding change: c.346-7A>C on transcript NM_001256012.3 (MANE Select); 7 bases into the intron before coding-DNA position 346, A replaced by C.
Molecular consequence: intron variant.
Genome position (GRCh38, 1-based): chr17:8,604,989, T>G on the plus strand (A>C on the coding strand, the complement: MYH10 is on the minus strand). VCF-style: chr17-8604989-T-G. GRCh37 (hg19) VCF-style: chr17-8508307-T-G.
Other names: c.346-7A>C (NM_001375266.1, NM_005964.5, NM_001256095.2).
Identifiers: ClinVar variation 5002325 (VCV005002325.1).

ClinVar aggregate classification (germline): Likely benign (1 of 4 stars; one submission).

Conditions:
MYH10-related disorder. Also called: MYH10-related condition.

Submission:

PreventionGenetics, part of Exact Sciences
Classification: Likely benign for MYH10-related condition. Last evaluated: 2024-10-07. Review status: criteria provided, single submitter. Criteria: ACMG Guidelines, 2015. Collection method: clinical testing. Allele origin: germline.
Comment: This variant is classified as likely benign based on ACMG/AMP sequence variant interpretation guidelines (Richards et al. 2015 PMID: 25741868, with internal and published modifications).